The following is an entry in ClinVar:

NM_006766.5(KAT6A):c.4262A>T (p.Asp1421Val)

Gene: KAT6A (lysine acetyltransferase 6A; minus strand). Cytogenetic location: 8p11.21.
Variant type: single nucleotide variant.
Coding change: c.4262A>T on transcript NM_006766.5 (MANE Select); coding-DNA position 4262, A replaced by T.
Protein change: p.Asp1421Val; replaces aspartic acid 1421 with valine.
Molecular consequence: missense variant.
Genome position (GRCh38, 1-based): chr8:41,933,958, T>A on the plus strand (A>T on the coding strand, the complement: KAT6A is on the minus strand). VCF-style: chr8-41933958-T-A. GRCh37 (hg19) VCF-style: chr8-41791476-T-A.
Other names: short protein forms D1421V.
Identifiers: ClinVar variation 4747331 (VCV004747331.1).

ClinVar aggregate classification (germline): Uncertain significance (1 of 4 stars; one submission).

Submission:

Labcorp Genetics (formerly Invitae), Labcorp
Classification: Uncertain significance. Last evaluated: 2025-11-05. Review status: criteria provided, single submitter. Criteria: Invitae Variant Classification Sherloc (09022015). Collection method: clinical testing. Allele origin: germline.
Comment: This sequence change replaces aspartic acid, which is acidic and polar, with valine, which is neutral and non-polar, at codon 1421 of the KAT6A protein (p.Asp1421Val). This variant is not present in population databases (gnomAD no frequency). This variant has not been reported in the literature in individuals affected with KAT6A-related conditions. Invitae Evidence Modeling of protein sequence and biophysical properties (such as structural, functional, and spatial information, amino acid conservation, physicochemical variation, residue mobility, and thermodynamic stability) has been performed for this missense variant. However, the output from this modeling did not meet the statistical confidence thresholds required to predict the impact of this variant on KAT6A protein function. In summary, the available evidence is currently insufficient to determine the role of this variant in disease. Therefore, it has been classified as a Variant of Uncertain Significance.